The following is an entry in ClinVar:

ClinVar aggregate classification (germline): Conflicting classifications of pathogenicity. Review status: criteria provided, conflicting classifications (1 of 4 stars). 5 submissions from 5 submitters: Uncertain significance (3); Likely benign (2). Last evaluated 2025-11-11.

Conditions:
Hereditary cancer-predisposing syndrome. Also called: Hereditary neoplastic syndrome; Hereditary Cancer Syndrome; Neoplastic Syndromes, Hereditary; Tumor predisposition. Identifiers: Orphanet 140162, MedGen C0027672, MeSH D009386, MONDO:0015356.
Lynch syndrome. Identifiers: Orphanet 144, MedGen C4552100, MONDO:0005835. Disease mechanism: loss of function.

Allele frequency attached by ClinVar (database versions not stated): gnomAD exomes 0.00001; gnomAD 0.00002; TOPMed 0.00002; ExAC 0.00003; ESP Exome Variant Server 0.00008.
gnomAD v4.1: 10 of 1,612,452 alleles (0.00062%); highest among the groups gnomAD compares: African/African-American, 0.011%; no homozygotes.

Submissions (5):

Ambry Genetics
Classification: Uncertain significance for Hereditary cancer-predisposing syndrome. Last evaluated: 2025-11-11. Review status: criteria provided, single submitter. Criteria: Ambry Variant Classification Scheme 2023. Collection method: clinical testing. Allele origin: germline.
Comment: The c.-1C>A variant is located in the 5' untranslated region (5&rsquo; UTR) of the PMS2 gene. This variant results from a C to A substitution 1 base upstream from the first translated codon. This nucleotide position is well conserved in available vertebrate species. Based on the available evidence, the clinical significance of this variant remains unclear.

Quest Diagnostics Nichols Institute San Juan Capistrano
Classification: Uncertain significance. Last evaluated: 2024-03-22. Review status: criteria provided, single submitter. Criteria: Quest Diagnostics criteria. Collection method: clinical testing. Allele origin: unknown.
Comment: The PMS2 c.-1C>A variant has not been reported in individuals with PMS2-related conditions in the published literature. The frequency of this variant in the general population, 0.000008 (2/250246 chromosomes (Genome Aggregation Database)), is uninformative in the assessment of its pathogenicity. Analysis of this variant using software algorithms for the prediction of the effect of nucleotide changes on splicing yielded predictions that this variant does not affect PMS2 mRNA splicing. Based on the available information, we are unable to determine the clinical significance of this variant.

All of Us Research Program, National Institutes of Health
Classification: Likely benign for Lynch syndrome. Last evaluated: 2022-12-05. Review status: criteria provided, single submitter. Criteria: ACMG Guidelines, 2015. Collection method: clinical testing. Allele origin: germline. Inheritance: Autosomal dominant inheritance. Observed: 1 variant allele, 1 heterozygote.
Comment: This study involves interpretation of variants in research participants for the purpose of population health screening. Participant phenotype was not available at the time of variant classification. Additional details can be found in publication PMID: 35346344, PMCID: PMC8962531

GeneDx
Classification: Uncertain significance. Last evaluated: 2021-06-25. Review status: criteria provided, single submitter. Criteria: GeneDx Variant Classification Process June 2021. Collection method: clinical testing. Allele origin: germline. Affected: yes.
Comment: Has not been previously published as pathogenic or benign to our knowledge; Describes a nucleotide substitution 1 base pair upstream of the ATG translational start site of the PMS2 gene, occurring in the Kozak sequence, the conserved nucleotides just upstream of the ATG start codon, which play a major role in the initiation of translation; This variant is associated with the following publications: (PMID: 27535533)

Color Diagnostics, LLC DBA Color Health
Classification: Likely benign for Hereditary cancer-predisposing syndrome. Last evaluated: 2016-02-25. Review status: criteria provided, single submitter. Criteria: ACMG Guidelines, 2015. Collection method: clinical testing. Allele origin: germline.

NM_000535.7(PMS2):c.-1C>A

Gene: PMS2 (PMS1 homolog 2, mismatch repair system component; minus strand). Cytogenetic location: 7p22.1.
Variant type: single nucleotide variant.
Coding change: c.-1C>A on transcript NM_000535.7 (MANE Select); 1 bases upstream of the start codon, C replaced by A.
Molecular consequence: 5 prime UTR variant. On other transcripts: non-coding transcript variant (1).
Genome position (GRCh38, 1-based): chr7:6,009,020, G>T on the plus strand (C>A on the coding strand, the complement: PMS2 is on the minus strand). VCF-style: chr7-6009020-G-T. GRCh37 (hg19) VCF-style: chr7-6048651-G-T.
Other names: c.-401C>A (NM_001018040.1, NM_001322003.2, NM_001322013.2 and 5 more transcripts); c.-266C>A (NM_001322004.2, NM_001322010.2, NM_001406911.1); c.-596C>A (NM_001322005.2); c.-1C>A (NM_001322006.2, NM_001322014.2, NM_001406866.1 and 11 more transcripts); c.-216C>A (NM_001322007.2, NM_001406876.1, NM_001406896.1 and 2 more transcripts); c.-76C>A (NM_001322008.2); c.-591C>A (NM_001322009.2, NM_001406897.1); c.-885C>A (NM_001322011.2); and 19 more.
Identifiers: ClinVar variation 230090 (VCV000230090.14), dbSNP rs369681753, ClinGen allele CA046177.